The following is an entry in ClinVar:

ClinVar aggregate classification (germline): Pathogenic (1 of 4 stars; one submission).

Submission:

Labcorp Genetics (formerly Invitae), Labcorp
Classification: Pathogenic. Last evaluated: 2024-04-01. Review status: criteria provided, single submitter. Criteria: Invitae Variant Classification Sherloc (09022015). Collection method: clinical testing. Allele origin: germline.
Comment: This sequence change creates a premature translational stop signal (p.Lys95_Lys96delinsAsn*) in the FOXL2 gene. While this is not anticipated to result in nonsense mediated decay, it is expected to disrupt the last 282 amino acid(s) of the FOXL2 protein. Information on the frequency of this variant in the gnomAD database is not available, as this variant may be reported differently in the database. This variant has not been reported in the literature in individuals affected with FOXL2-related conditions. This variant disrupts a region of the FOXL2 protein in which other variant(s) (p.Pro307Hisfs*52) have been determined to be pathogenic (PMID: 11468277). This suggests that this is a clinically significant region of the protein, and that variants that disrupt it are likely to be disease-causing. For these reasons, this variant has been classified as Pathogenic.

Literature cited by the submitters: PubMed 11468277.

NM_023067.4(FOXL2):c.285_286delinsTT (p.Lys95_Lys96delinsAsnTer)

Gene: FOXL2 (forkhead box L2; minus strand). Cytogenetic location: 3q22.3.
Variant type: Indel.
Coding change: c.285_286delinsTT on transcript NM_023067.4 (MANE Select); coding-DNA positions 285 to 286, GA replaced by TT.
Protein change: p.Lys95_Lys96delinsAsnTer.
Molecular consequence: nonsense.
Genome position (GRCh38, 1-based): chr3:138,946,437-138,946,438, TC replaced by AA on the plus strand (GA replaced by TT on the coding strand, the reverse complement: FOXL2 is on the minus strand). VCF-style: chr3-138946437-TC-AA. GRCh37 (hg19) VCF-style: chr3-138665279-TC-AA.
Identifiers: ClinVar variation 3648330 (VCV003648330.2).